The following is an entry in ClinVar:

ClinVar aggregate classification (germline): Uncertain significance (1 of 4 stars; one submission).

Conditions:
SCAPER-related disorder. Also called: SCAPER-related condition.

gnomAD v4.1: 4 of 1,613,918 alleles (0.00025%); highest among the groups gnomAD compares: Admixed American, 0.005%; no homozygotes.

Submission:

PreventionGenetics, part of Exact Sciences
Classification: Uncertain significance for SCAPER-related condition. Last evaluated: 2025-07-15. Review status: criteria provided, single submitter. Criteria: ACMG Guidelines, 2015. Collection method: clinical testing. Allele origin: germline.
Comment: The SCAPER c.266A>G variant is predicted to result in the amino acid substitution p.Lys89Arg. To our knowledge, this variant has not been reported in the literature. This variant is reported in 0.0087% of alleles in individuals of Latino descent in gnomAD. At this time, the clinical significance of this variant is uncertain due to the absence of conclusive functional and genetic evidence.

NM_020843.4(SCAPER):c.266A>G (p.Lys89Arg)

Gene: SCAPER (S-phase cyclin A associated protein in the ER; minus strand). Cytogenetic location: 15q24.3.
Variant type: single nucleotide variant.
Coding change: c.266A>G on transcript NM_020843.4 (MANE Select); coding-DNA position 266, A replaced by G.
Protein change: p.Lys89Arg; replaces lysine 89 with arginine.
Molecular consequence: missense variant. On other transcripts: 5 prime UTR variant (4), non-coding transcript variant (1).
Genome position (GRCh38, 1-based): chr15:76,841,861, T>C on the plus strand (A>G on the coding strand, the complement: SCAPER is on the minus strand). VCF-style: chr15-76841861-T-C. GRCh37 (hg19) VCF-style: chr15-77134202-T-C.
Other names: c.-632A>G (NM_001145923.2); c.266A>G, p.Lys89Arg (NM_001353009.2); c.-137A>G (NM_001353010.2, NM_001353011.2, NM_001353012.2); short protein forms K89R.
Identifiers: ClinVar variation 4999514 (VCV004999514.1).